The following is an entry in ClinVar:

ClinVar aggregate classification (germline): Conflicting classifications of pathogenicity. Review status: criteria provided, conflicting classifications (1 of 4 stars). 4 submissions from 4 submitters: Uncertain significance (1); Likely benign (2). 1 of the submissions does not count toward it. Last evaluated 2025-12-31.

Conditions:
ATP6V0A2-related disorder. Also called: ATP6V0A2-related condition.
ALG9 congenital disorder of glycosylation (CDG1L). Also called: CDG Il; CONGENITAL DISORDER OF GLYCOSYLATION, TYPE Il; ALG9-CDG. Identifiers: Orphanet 79328, MedGen C2931006, MONDO:0012117, OMIM 608776.

Allele frequency attached by ClinVar (database versions not stated): gnomAD exomes 0.00008 and 0.00018; ExAC 0.00023; gnomAD 0.00079 and 0.00087; ESP Exome Variant Server 0.00085; TOPMed 0.00097; 1000 Genomes Project 0.00120; 1000 Genomes Project 30x 0.00125.
gnomAD v4.1: 241 of 1,614,080 alleles (0.015%); highest among the groups gnomAD compares: African/African-American, 0.3%; 1 homozygote.

Submissions (4):

Labcorp Genetics (formerly Invitae), Labcorp
Classification: Likely benign for ALG9 congenital disorder of glycosylation. Last evaluated: 2025-12-31. Review status: criteria provided, single submitter. Criteria: Invitae Variant Classification Sherloc (09022015). Collection method: clinical testing. Allele origin: germline.

GeneDx
Classification: Uncertain significance. Last evaluated: 2024-04-19. Review status: criteria provided, single submitter. Criteria: GeneDx Variant Classification Process June 2021. Collection method: clinical testing. Allele origin: germline. Affected: yes.
Comment: In silico analysis supports that this missense variant has a deleterious effect on protein structure/function; Has not been previously published as pathogenic or benign to our knowledge

Athena Diagnostics
Classification: Likely benign. Last evaluated: 2018-01-24. Review status: criteria provided, single submitter. Criteria: Athena Diagnostics Criteria. Collection method: clinical testing. Allele origin: germline.

PreventionGenetics, part of Exact Sciences
Classification: Likely benign for ATP6V0A2-related condition. Last evaluated: 2023-04-24. Review status: no assertion criteria provided. Collection method: clinical testing. Allele origin: germline. Not counted in ClinVar's aggregate classification.
Comment: This variant is classified as likely benign based on ACMG/AMP sequence variant interpretation guidelines (Richards et al. 2015 PMID: 25741868, with internal and published modifications).

NM_012463.4(ATP6V0A2):c.773A>G (p.Glu258Gly)

Gene: ATP6V0A2 (ATPase H+ transporting V0 subunit a2; plus strand). Cytogenetic location: 12q24.31.
Variant type: single nucleotide variant.
Coding change: c.773A>G on transcript NM_012463.4 (MANE Select); coding-DNA position 773, A replaced by G.
Protein change: p.Glu258Gly; replaces glutamic acid 258 with glycine.
Molecular consequence: missense variant.
Genome position (GRCh38, 1-based): chr12:123,735,572, A>G. VCF-style: chr12-123735572-A-G. GRCh37 (hg19) VCF-style: chr12-124220119-A-G.
Other names: short protein forms E258G.
Identifiers: ClinVar variation 585452 (VCV000585452.17), dbSNP rs141467923, ClinGen allele CA6861730.